The following is an entry in ClinVar:

ClinVar aggregate classification (germline): Uncertain significance (1 of 4 stars; one submission).

Conditions:
BBS10-related disorder. Also called: BBS10-related condition.

gnomAD v4.1: 5 of 1,613,308 alleles (0.00031%); highest among the groups gnomAD compares: Admixed American, 0.0083%; no homozygotes.

Submission:

PreventionGenetics, part of Exact Sciences
Classification: Uncertain significance for BBS10-related condition. Last evaluated: 2024-11-26. Review status: criteria provided, single submitter. Criteria: ACMG Guidelines, 2015. Collection method: clinical testing. Allele origin: germline.
Comment: The BBS10 c.725A>G variant is predicted to result in the amino acid substitution p.Gln242Arg. To our knowledge, this variant has not been reported in the literature. This variant is reported in 0.012% of alleles in individuals of Latino descent in gnomAD. At this time, the clinical significance of this variant is uncertain due to the absence of conclusive functional and genetic evidence.

NM_024685.4(BBS10):c.725A>G (p.Gln242Arg)

Gene: BBS10 (Bardet-Biedl syndrome 10; minus strand). Cytogenetic location: 12q21.2.
Variant type: single nucleotide variant.
Coding change: c.725A>G on transcript NM_024685.4 (MANE Select); coding-DNA position 725, A replaced by G.
Protein change: p.Gln242Arg; replaces glutamine 242 with arginine.
Molecular consequence: missense variant.
Genome position (GRCh38, 1-based): chr12:76,347,260, T>C on the plus strand (A>G on the coding strand, the complement: BBS10 is on the minus strand). VCF-style: chr12-76347260-T-C. GRCh37 (hg19) VCF-style: chr12-76741040-T-C.
Other names: short protein forms Q242R.
Identifiers: ClinVar variation 4979804 (VCV004979804.1).